The following is an entry in ClinVar:

ClinVar aggregate classification (germline): Pathogenic/Likely pathogenic. Review status: criteria provided, multiple submitters, no conflicts (2 of 4 stars). 2 submissions from 2 submitters: Pathogenic (1); Likely pathogenic (1). Last evaluated 2024-06-06.

Conditions:
Parkinsonian-pyramidal syndrome. Also called: PALLIDOPYRAMIDAL SYNDROME; PARKINSON DISEASE 15, AUTOSOMAL RECESSIVE EARLY-ONSET; PARKINSON DISEASE 15, AUTOSOMAL RECESSIVE. Identifiers: Orphanet 171695, MedGen C1850100, MONDO:0009830, OMIM 260300.

Allele frequency attached by ClinVar (database versions not stated): gnomAD exomes 0.00001; TOPMed 0.00001.
gnomAD v4.1: 14 of 1,614,194 alleles (0.00087%); highest among the groups gnomAD compares: East Asian, 0.0022%; no homozygotes.

Submissions (2):

Fulgent Genetics
Classification: Likely pathogenic for Parkinsonian-pyramidal syndrome. Last evaluated: 2024-06-06. Review status: criteria provided, single submitter. Criteria: ACMG Guidelines, 2015. Collection method: clinical testing. Allele origin: germline.

Labcorp Genetics (formerly Invitae), Labcorp
Classification: Pathogenic for Parkinsonian-pyramidal syndrome. Last evaluated: 2023-11-10. Review status: criteria provided, single submitter. Criteria: Invitae Variant Classification Sherloc (09022015). Collection method: clinical testing. Allele origin: germline.
Comment: This sequence change creates a premature translational stop signal (p.Gln237*) in the FBXO7 gene. It is expected to result in an absent or disrupted protein product. Loss-of-function variants in FBXO7 are known to be pathogenic (PMID: 21347293). This variant is not present in population databases (gnomAD no frequency). This variant has not been reported in the literature in individuals affected with FBXO7-related conditions. For these reasons, this variant has been classified as Pathogenic.

Literature cited by the submitters: PubMed 21347293 (cited by Labcorp Genetics (formerly Invitae), Labcorp).

NM_012179.4(FBXO7):c.709C>T (p.Gln237Ter)

Gene: FBXO7 (F-box protein 7; plus strand). Cytogenetic location: 22q12.3.
Variant type: single nucleotide variant.
Coding change: c.709C>T on transcript NM_012179.4 (MANE Select); coding-DNA position 709, C replaced by T.
Protein change: p.Gln237Ter; replaces glutamine 237 with a stop codon.
Molecular consequence: nonsense.
Genome position (GRCh38, 1-based): chr22:32,485,131, C>T. VCF-style: chr22-32485131-C-T. GRCh37 (hg19) VCF-style: chr22-32881118-C-T.
Other names: c.472C>T, p.Gln158Ter (NM_001033024.2); c.367C>T, p.Gln123Ter (NM_001257990.2); short protein forms Q123*, Q158*, Q237*.
Identifiers: ClinVar variation 2733394 (VCV002733394.4), dbSNP rs2057490468, ClinGen allele CA411332209.